The following is an entry in ClinVar:

ClinVar aggregate classification (germline): Pathogenic/Likely pathogenic. Review status: criteria provided, multiple submitters, no conflicts (2 of 4 stars). 33 submissions from 31 submitters: Pathogenic (28); Likely pathogenic (1). 4 of the submissions do not count toward it. Last evaluated 2026-09-22.

Conditions:
Predisposition to cancer.
Inherited prostate cancer.
Inherited breast cancer and ovarian cancer.
CHEK2-related disorder.
Cancer or benign tumor. Also called: Cell proliferation disorder. Identifiers: MedGen CN377727, MONDO:0045024.
Familial prostate cancer. Also called: Hereditary Prostate Cancer. Identifiers: MedGen C2931456, MONDO:0700275, OMIM 176807.
CHEK2-related cancer predisposition (TPDS4). Also called: TUMOR PREDISPOSITION SYNDROME 4; CANCER PREDISPOSITION SYNDROME, CHEK2-RELATED; CHEK2-related cancer susceptibility. Identifiers: Orphanet 524, MedGen C5882668, MONDO:0700271, OMIM 609265.
Bone osteosarcoma. Also called: Osteosarcoma, somatic. Identifiers: Orphanet 668, MedGen C0585442, MONDO:0002629, OMIM 259500.
Breast and/or ovarian cancer. Identifiers: MedGen CN221562.
Hereditary cancer-predisposing syndrome. Also called: Tumor predisposition; Hereditary neoplastic syndrome; Neoplastic Syndromes, Hereditary; Hereditary Cancer Syndrome. Identifiers: Orphanet 140162, MedGen C0027672, MeSH D009386, MONDO:0015356.
Hereditary breast ovarian cancer syndrome. Also called: Breast and ovarian cancer; Hereditary breast and ovarian cancer syndrome; Hereditary breast and ovarian cancer syndrome (HBOC); Hereditary breast and/or ovarian cancer syndrome; BRCA1- and BRCA2-Associated Hereditary Breast and Ovarian Cancer; Hereditary breast and ovarian cancer. Identifiers: Orphanet 145, MedGen C0677776, MeSH D061325, MONDO:0003582. Disease mechanism: loss of function.
Prostate cancer. Also called: Malignant tumor of prostate. Identifiers: Orphanet 1331, MedGen C0376358, MONDO:0008315, HP:0012125.
Familial cancer of breast. Also called: BREAST CANCER, FAMILIAL; hereditary breast carcinoma; Hereditary breast cancer. Identifiers: Orphanet 227535, MedGen C0346153, MONDO:0016419, OMIM 114480. Disease mechanism: loss of function.

Submissions 1 to 9 of 33:

Genetics Laboratory, Great Ormond Street Hospital NHS Foundation Trust, North Thames Genomic Laboratory Hub
Classification: Pathogenic for Inherited breast cancer and ovarian cancer. Last evaluated: 2026-09-22. Review status: criteria provided, single submitter. Criteria: CanVIG CHEK2 Gene Specific V1.2. Collection method: clinical testing. Allele origin: germline. Affected: yes.
Comment: PS4_strong, PVS1_very-strong, PM5_supporting

PreventionGenetics, part of Exact Sciences
Classification: Pathogenic for CHEK2-related condition. Last evaluated: 2026-08-17. Review status: criteria provided, single submitter. Criteria: ACMG Guidelines, 2015. Collection method: clinical testing. Allele origin: germline.
Comment: The CHEK2 c.1263delT variant is predicted to result in a frameshift and premature protein termination (p.Ser422Valfs*15). This variant has been reported in multiple individuals with CHEK2-related cancers (Le Calvez-Kelm et al. 2011. PubMed ID: 21244692; Leongamornlert et al. 2014. PubMed ID: 24556621; Susswein et al. 2016. PubMed ID: 26681312; Decker et al. 2017. PubMed ID: 28779002). This variant is reported in 0.0086% of alleles in individuals of European (Non-Finnish) descent in gnomAD and is interpreted as pathogenic/likely pathogenic in ClinVar (Variation ID: 128053). Frameshift variants in CHEK2 are expected to be pathogenic. This variant is interpreted as pathogenic.

St. Jude Molecular Pathology, St. Jude Children's Research Hospital
Classification: Pathogenic for Predisposition to cancer. Last evaluated: 2026-02-20. Review status: criteria provided, single submitter. Criteria: St. Jude Assertion Criteria 2020. Collection method: clinical testing. Allele origin: germline.
Comment: The CHEK2 c.1263del p.(Ser422ValfsTer15) change deletes one nucleotide to cause a frameshift and the creation of a premature stop codon. This change is predicted to cause protein truncation or absence of protein due to nonsense-mediated decay. This variant has been reported in individuals with breast, colon, prostate, bladder, and urethral cancer (PMID: 21244692, 24556621, 265 34844, 26681312, 27273131, 33803639). This variant has a maximum subpopulation frequency of 0.0086% in gnomAD v2.1.1. Other truncating variants in exon 12 have been reported in individuals with CHEK2-associated cance rs and are known to be pathogenic. In summary, this variant meets criteria to be classified as pathogenic.

Labcorp Genetics (formerly Invitae), Labcorp
Classification: Pathogenic for Familial cancer of breast. Last evaluated: 2026-01-18. Review status: criteria provided, single submitter. Criteria: Invitae Variant Classification Sherloc (09022015). Collection method: clinical testing. Allele origin: germline.
Comment: This sequence change creates a premature translational stop signal (p.Ser422Valfs*15) in the CHEK2 gene. It is expected to result in an absent or disrupted protein product. Loss-of-function variants in CHEK2 are known to be pathogenic (PMID: 21876083, 24713400). This variant is present in population databases (rs587780174, gnomAD 0.01%). This premature translational stop signal has been observed in individual(s) with breast, prostate, bladder, colon and urethral cancer (PMID: 21244692, 24113346, 24556621, 26681312). ClinVar contains an entry for this variant (Variation ID: 128053). RNA analysis performed to evaluate the impact of this premature translational stop signal on mRNA splicing indicates it does not significantly alter splicing (internal data). For these reasons, this variant has been classified as Pathogenic.

Genetics Laboratory, Great Ormond Street Hospital NHS Foundation Trust, North Thames Genomic Laboratory Hub
Classification: Pathogenic for Inherited prostate cancer. Last evaluated: 2025-11-20. Review status: criteria provided, single submitter. Criteria: CanVIG CHEK2 Gene Specific V1.2. Collection method: clinical testing. Allele origin: germline. Affected: yes.
Comment: the same text as in the submission from Genetics Laboratory, Great Ormond Street Hospital NHS Foundation Trust, North Thames Genomic Laboratory Hub above.

CeGaT Center for Human Genetics Tuebingen
Classification: Pathogenic. Last evaluated: 2025-10-01. Review status: criteria provided, single submitter. Criteria: CeGaT Center For Human Genetics Tuebingen Variant Classification Criteria Version 2. Collection method: clinical testing. Allele origin: germline. Affected: yes. Observed: 2 variant alleles.
Comment: CHEK2: PVS1, PS4:Moderate

Cambridge Genomics Laboratory, East Genomic Laboratory Hub, NHS Genomic Medicine Service
Classification: Pathogenic for Inherited breast cancer and ovarian cancer. Last evaluated: 2025-08-07. Review status: criteria provided, single submitter. Criteria: ACGS Best Practice Guidelines for Variant Classification in Rare Disease 2020. Collection method: clinical testing. Allele origin: germline. Affected: yes.
Comment: PVS1,PS4_Supporting,PM5_Supporting

Color Diagnostics, LLC DBA Color Health
Classification: Pathogenic for Hereditary cancer-predisposing syndrome. Last evaluated: 2025-01-06. Review status: criteria provided, single submitter. Criteria: ACMG Guidelines, 2015. Collection method: clinical testing. Allele origin: germline.
Comment: This variant deletes 1 nucleotide in exon 12 of the CHEK2 gene, creating a frameshift and premature translation stop signal. This variant is expected to result in an absent or non-functional protein product. This variant has been reported in individuals affected with breast, bladder, colon, hematological, prostate and urethral cancer (PMID: 21244692, 24556621, 26534844, 26681312, 27273131, 33803639). In a large breast cancer case-control meta-analysis conducted by the BRIDGES consortium, this variant was reported in 25/60466 cases and 5/53461 unaffected controls (OR=4.422 (95%CI 1.693 to 11.552)) (PMID: 33471991; Leiden Open Variation Database DB-ID CHEK2_000325). This variant has been identified in 13/281654 chromosomes in the general population by the Genome Aggregation Database (gnomAD). Loss of CHEK2 function is a known mechanism of disease. Based on the available evidence, this variant is classified as Pathogenic.

Institute for Biomarker Research, Medical Diagnostic Laboratories, L.L.C.
Classification: Pathogenic for Hereditary cancer-predisposing syndrome. Last evaluated: 2024-12-09. Review status: criteria provided, single submitter. Criteria: ACMG Guidelines, 2015. Collection method: clinical testing. Allele origin: germline.
Comment: The frameshift deletion NM_001005735.2(CHEK2):c.1392delT (p.Ser465Valfs*15) has been reported to ClinVar as Pathogenic/Likely pathogenic with a status of (2 stars) criteria provided, multiple submitters, no conflicts (Variation ID 128053 as of 2024-11-07). The p.Ser465Valfs*15 variant is observed in 10/113,048 (0.0088%) alleles from individuals of gnomAD Non Finnish European background in gnomAD. This indicates that the region is critical to protein function. The p.Ser465Valfs*15 variant is a loss of function variant in the gene CHEK2, which is intolerant of Loss of Function variants, as indicated by the presence of existing pathogenic loss of function variant NP_001005735.1:p.R3Vfs*4 and 668 others. For these reasons, this variant has been classified as Pathogenic.

NM_007194.4(CHEK2):c.1263del (p.Ser422fs)

Gene: CHEK2 (checkpoint kinase 2; minus strand). Cytogenetic location: 22q12.1.
Variant type: Deletion.
Coding change: c.1263del on transcript NM_007194.4 (MANE Select); coding-DNA position 1263, one base deleted (T; older notation c.1263delT).
Protein change: p.Ser422fs; shifts the reading frame from serine 422.
Molecular consequence: frameshift variant.
Genome position (GRCh38, 1-based): chr22:28,695,239, A deleted on the plus strand (T on the coding strand, the reverse complement: CHEK2 is on the minus strand); the first of 2 consecutive A bases (chr22:28,695,239-28,695,240); deleting either gives the same sequence. VCF-style (leftmost placement, unchanged base first): chr22-28695238-TA-T. GRCh37 (hg19) VCF-style: chr22-29091226-TA-T.
Other names: c.1392delT (NM_001005735.2); c.1263delT (NM_007194.4); c.1391delT, p.Ser465Valfs (NM_001005735.3); c.599delT, p.Ser201Valfs (NM_001257387.3); c.1061delT, p.Ser355Valfs (NM_001349956.3); c.1175delT, p.Ser393Valfs (NM_145862.3); short protein forms S355fs, S201fs, S393fs, S422fs, S465fs.
Identifiers: ClinVar variation 128053 (VCV000128053.78), dbSNP rs587780174, ClinGen allele CA288271.